The following is an entry in ClinVar:

NM_032122.5(DTNBP1):c.689C>A (p.Ser230Tyr)

Gene: DTNBP1 (dystrobrevin binding protein 1; minus strand). Cytogenetic location: 6p22.3.
Variant type: single nucleotide variant.
Coding change: c.689C>A on transcript NM_032122.5 (MANE Select); coding-DNA position 689, C replaced by A.
Protein change: p.Ser230Tyr; replaces serine 230 with tyrosine.
Molecular consequence: missense variant. On other transcripts: non-coding transcript variant (1).
Genome position (GRCh38, 1-based): chr6:15,524,648, G>T on the plus strand (C>A on the coding strand, the complement: DTNBP1 is on the minus strand). VCF-style: chr6-15524648-G-T. GRCh37 (hg19) VCF-style: chr6-15524879-G-T.
Other names: c.446C>A, p.Ser149Tyr (NM_001271667.2, NM_183041.1); c.638C>A, p.Ser213Tyr (NM_001271668.2); c.584C>A, p.Ser195Tyr (NM_001271669.2); c.689C>A, p.Ser230Tyr (NM_183040.2); short protein forms S195Y, S149Y, S213Y, S230Y.
Identifiers: ClinVar variation 1949897 (VCV001949897.2), dbSNP rs1227131916, ClinGen allele CA362806515.

ClinVar aggregate classification (germline): Uncertain significance (1 of 4 stars; one submission).

gnomAD v4.1: 1 of 1,613,584 alleles (0.000062%); highest among the groups gnomAD compares: Non-Finnish European, 0.000085%; no homozygotes.

Submission:

Labcorp Genetics (formerly Invitae), Labcorp
Classification: Uncertain significance. Last evaluated: 2022-02-11. Review status: criteria provided, single submitter. Criteria: Invitae Variant Classification Sherloc (09022015). Collection method: clinical testing. Allele origin: germline.
Comment: This sequence change replaces serine, which is neutral and polar, with tyrosine, which is neutral and polar, at codon 230 of the DTNBP1 protein (p.Ser230Tyr). The frequency data for this variant in the population databases is considered unreliable, as metrics indicate poor data quality at this position in the gnomAD database. This variant has not been reported in the literature in individuals affected with DTNBP1-related conditions. Algorithms developed to predict the effect of missense changes on protein structure and function (SIFT, PolyPhen-2, Align-GVGD) all suggest that this variant is likely to be disruptive. In summary, the available evidence is currently insufficient to determine the role of this variant in disease. Therefore, it has been classified as a Variant of Uncertain Significance.